The following is an entry in ClinVar:

NM_000122.2(ERCC3):c.146C>G (p.Ser49Ter)

Gene: ERCC3 (ERCC excision repair 3, TFIIH core complex helicase subunit; minus strand). Cytogenetic location: 2q14.3.
Variant type: single nucleotide variant.
Coding change: c.146C>G on transcript NM_000122.2 (MANE Select); coding-DNA position 146, C replaced by G.
Protein change: p.Ser49Ter; replaces serine 49 with a stop codon.
Molecular consequence: nonsense. On other transcripts: 5 prime UTR variant (2).
Genome position (GRCh38, 1-based): chr2:127,293,601, G>C on the plus strand (C>G on the coding strand, the complement: ERCC3 is on the minus strand). VCF-style: chr2-127293601-G-C. GRCh37 (hg19) VCF-style: chr2-128051177-G-C.
Other names: c.-47C>G (NM_001303416.2, NM_001303418.2); short protein forms S49*.
Identifiers: ClinVar variation 2787734 (VCV002787734.3), dbSNP rs2104783010, ClinGen allele CA348392173.

ClinVar aggregate classification (germline): Pathogenic (1 of 4 stars; one submission).

Submission:

Labcorp Genetics (formerly Invitae), Labcorp
Classification: Pathogenic. Last evaluated: 2023-04-30. Review status: criteria provided, single submitter. Criteria: Invitae Variant Classification Sherloc (09022015). Collection method: clinical testing. Allele origin: germline.
Comment: This sequence change creates a premature translational stop signal (p.Ser49*) in the ERCC3 gene. It is expected to result in an absent or disrupted protein product. Loss-of-function variants in ERCC3 are known to be pathogenic (PMID: 16947863). This variant is not present in population databases (gnomAD no frequency). This variant has not been reported in the literature in individuals affected with ERCC3-related conditions. For these reasons, this variant has been classified as Pathogenic.

Literature cited by the submitters: PubMed 16947863.